The following is an entry in ClinVar:

ClinVar aggregate classification (germline): Uncertain significance. Review status: criteria provided, multiple submitters, no conflicts (2 of 4 stars). 2 submissions from 2 submitters: Uncertain significance (2). Last evaluated 2021-03-25.

Conditions:
Hereditary cancer-predisposing syndrome. Also called: Neoplastic Syndromes, Hereditary; Tumor predisposition; Hereditary Cancer Syndrome; Hereditary neoplastic syndrome. Identifiers: Orphanet 140162, MedGen C0027672, MeSH D009386, MONDO:0015356.

Submissions (2):

Labcorp Genetics (formerly Invitae), Labcorp
Classification: Uncertain significance for Hereditary cancer-predisposing syndrome. Last evaluated: 2021-03-25. Review status: criteria provided, single submitter. Criteria: Invitae Variant Classification Sherloc (09022015). Collection method: clinical testing. Allele origin: germline.
Comment: This sequence change replaces glutamine with arginine at codon 479 of the RAD50 protein (p.Gln479Arg). The glutamine residue is moderately conserved and there is a small physicochemical difference between glutamine and arginine. This variant is not present in population databases (ExAC no frequency). This variant has not been reported in the literature in individuals with RAD50-related conditions. ClinVar contains an entry for this variant (Variation ID: 233085). Algorithms developed to predict the effect of missense changes on protein structure and function output the following: SIFT: "Tolerated"; PolyPhen-2: "Benign"; Align-GVGD: "Class C0". The arginine amino acid residue is found in multiple mammalian species, suggesting that this missense change does not adversely affect protein function. These predictions have not been confirmed by published functional studies and their clinical significance is uncertain. In summary, the available evidence is currently insufficient to determine the role of this variant in disease. Therefore, it has been classified as a Variant of Uncertain Significance.

Ambry Genetics
Classification: Uncertain significance for Hereditary cancer-predisposing syndrome. Last evaluated: 2020-02-14. Review status: criteria provided, single submitter. Criteria: Ambry Variant Classification Scheme 2023. Collection method: clinical testing. Allele origin: germline.
Comment: The p.Q479R variant (also known as c.1436A>G), located in coding exon 9 of the RAD50 gene, results from an A to G substitution at nucleotide position 1436. The glutamine at codon 479 is replaced by arginine, an amino acid with highly similar properties. This amino acid position is not well conserved, and arginine is the reference amino acid in several species. In addition, this alteration is predicted to be tolerated by in silico analysis. Since supporting evidence is limited at this time, the clinical significance of this alteration remains unclear.

NM_005732.4(RAD50):c.1436A>G (p.Gln479Arg)

Gene: RAD50 (RAD50 double strand break repair protein; plus strand). Cytogenetic location: 5q31.1.
Variant type: single nucleotide variant.
Coding change: c.1436A>G on transcript NM_005732.4 (MANE Select); coding-DNA position 1436, A replaced by G.
Protein change: p.Gln479Arg; replaces glutamine 479 with arginine.
Molecular consequence: missense variant.
Genome position (GRCh38, 1-based): chr5:132,589,821, A>G. VCF-style: chr5-132589821-A-G. GRCh37 (hg19) VCF-style: chr5-131925513-A-G.
Other names: short protein forms Q479R.
Identifiers: ClinVar variation 233085 (VCV000233085.13), dbSNP rs876660181, ClinGen allele CA10578527.